The following is an entry in ClinVar:

ClinVar aggregate classification (germline): Uncertain significance (1 of 4 stars; one submission).

Conditions:
Hereditary diffuse gastric adenocarcinoma (HDGC). Also called: DIFFUSE GASTRIC AND LOBULAR BREAST CANCER SYNDROME. Identifiers: Orphanet 26106, MedGen C1708349, MONDO:0007648, OMIM 137215.

Allele frequency attached by ClinVar (database versions not stated): gnomAD exomes below 0.00001.
gnomAD v4.1: 2 of 1,611,390 alleles (0.00012%); highest among the groups gnomAD compares: Non-Finnish European, 0.00017%; no homozygotes.

Submission:

Labcorp Genetics (formerly Invitae), Labcorp
Classification: Uncertain significance for Hereditary diffuse gastric adenocarcinoma. Last evaluated: 2023-02-09. Review status: criteria provided, single submitter. Criteria: Invitae Variant Classification Sherloc (09022015). Collection method: clinical testing. Allele origin: germline.
Comment: ClinVar contains an entry for this variant (Variation ID: 463738). Algorithms developed to predict the effect of missense changes on protein structure and function (SIFT, PolyPhen-2, Align-GVGD) all suggest that this variant is likely to be tolerated. In summary, the available evidence is currently insufficient to determine the role of this variant in disease. Therefore, it has been classified as a Variant of Uncertain Significance. This variant has not been reported in the literature in individuals affected with CDH1-related conditions. This sequence change replaces isoleucine, which is neutral and non-polar, with valine, which is neutral and non-polar, at codon 650 of the CDH1 protein (p.Ile650Val). This variant is not present in population databases (gnomAD no frequency).

NM_004360.5(CDH1):c.1948A>G (p.Ile650Val)

Gene: CDH1 (cadherin 1; plus strand). Cytogenetic location: 16q22.1.
Variant type: single nucleotide variant.
Coding change: c.1948A>G on transcript NM_004360.5 (MANE Select); coding-DNA position 1948, A replaced by G.
Protein change: p.Ile650Val; replaces isoleucine 650 with valine.
Molecular consequence: missense variant. On other transcripts: 5 prime UTR variant (1).
Genome position (GRCh38, 1-based): chr16:68,823,410, A>G. VCF-style: chr16-68823410-A-G. GRCh37 (hg19) VCF-style: chr16-68857313-A-G.
Other names: c.1948A>G (LRG_301t1); c.1765A>G, p.Ile589Val (NM_001317184.2); c.400A>G, p.Ile134Val (NM_001317185.2); c.-18A>G (NM_001317186.2); short protein forms I650V, I134V, I589V.
Identifiers: ClinVar variation 463738 (VCV000463738.9), dbSNP rs1555517077, ClinGen allele CA396467521.